The following is an entry in ClinVar:

NM_007294.4(BRCA1):c.3866C>T (p.Thr1289Ile)

Genes: BRCA1 (BRCA1 DNA repair associated; minus strand), LOC126862571 (BRD4-independent group 4 enhancer GRCh37_chr17:41243136-41244335; plus strand). Cytogenetic location: 17q21.31.
Variant type: single nucleotide variant.
Coding change: c.3866C>T on transcript NM_007294.4 (MANE Select); coding-DNA position 3866, C replaced by T.
Protein change: p.Thr1289Ile; replaces threonine 1289 with isoleucine.
Molecular consequence: missense variant. On other transcripts: intron variant (135).
Genome position (GRCh38, 1-based): chr17:43,091,665, G>A on the plus strand (C>T on the coding strand, the complement: BRCA1 is on the minus strand). VCF-style: chr17-43091665-G-A. GRCh37 (hg19) VCF-style: chr17-41243682-G-A.
Other names: c.3866C>T, p.Thr1289Ile (NM_001407625.1, NM_001407626.1, NM_001407639.1 and 30 more transcripts); c.3863C>T, p.Thr1288Ile (NM_001407627.1, NM_001407628.1, NM_001407629.1 and 22 more transcripts); c.3857C>T, p.Thr1286Ile (NM_001407646.1, NM_001407647.1); c.3743C>T, p.Thr1248Ile (NM_001407648.1, NM_001407664.1, NM_001407665.1 and 19 more transcripts); c.3740C>T, p.Thr1247Ile (NM_001407649.1, NM_001407670.1, NM_001407671.1 and 11 more transcripts); c.3788C>T, p.Thr1263Ile (NM_001407653.1, NM_001407654.1, NM_001407655.1 and 4 more transcripts); c.3785C>T, p.Thr1262Ile (NM_001407659.1, NM_001407660.1, NM_001407661.1 and 1 more transcripts); c.3725C>T, p.Thr1242Ile (NM_001407692.1, NM_001407694.1, NM_001407695.1 and 29 more transcripts); and 41 more; short protein forms T1242I, T1289I, T1162I, T1177I, T1200I, T1262I, T1263I, T993I.
Identifiers: ClinVar variation 1424409 (VCV001424409.12), dbSNP rs2154280244, ClinGen allele CA10594226.

ClinVar aggregate classification (germline): Conflicting classifications of pathogenicity. Review status: criteria provided, conflicting classifications (1 of 4 stars). 4 submissions from 4 submitters: Uncertain significance (3); Likely benign (1). Last evaluated 2026-01-16.

Conditions:
Hereditary cancer-predisposing syndrome. Also called: Neoplastic Syndromes, Hereditary; Tumor predisposition; Hereditary Cancer Syndrome; Hereditary neoplastic syndrome. Identifiers: Orphanet 140162, MedGen C0027672, MeSH D009386, MONDO:0015356.
BRCA1-related cancer predisposition. Identifiers: MedGen CN377757, MONDO:0700268.
Hereditary breast ovarian cancer syndrome. Also called: Hereditary breast and ovarian cancer syndrome (HBOC); Hereditary breast and ovarian cancer; Breast and ovarian cancer; Hereditary breast and/or ovarian cancer syndrome; BRCA1- and BRCA2-Associated Hereditary Breast and Ovarian Cancer; Hereditary breast and ovarian cancer syndrome. Identifiers: Orphanet 145, MedGen C0677776, MeSH D061325, MONDO:0003582. Disease mechanism: loss of function.

gnomAD v4.1: 1 of 1,614,184 alleles (0.000062%); highest among the groups gnomAD compares: Non-Finnish European, 0.000085%; no homozygotes.

Submissions (4):

Ambry Genetics
Classification: Uncertain significance for Hereditary cancer-predisposing syndrome. Last evaluated: 2026-01-16. Review status: criteria provided, single submitter. Criteria: Ambry Variant Classification Scheme 2023. Collection method: clinical testing. Allele origin: germline.
Comment: The p.T1289I variant (also known as c.3866C>T), located in coding exon 9 of the BRCA1 gene, results from a C to T substitution at nucleotide position 3866. The threonine at codon 1289 is replaced by isoleucine, an amino acid with similar properties. This amino acid position is poorly conserved in available vertebrate species. In addition, the in silico prediction for this alteration is inconclusive. Based on the available evidence, the clinical significance of this variant remains unclear.

Labcorp Genetics (formerly Invitae), Labcorp
Classification: Uncertain significance for Hereditary breast ovarian cancer syndrome. Last evaluated: 2024-11-16. Review status: criteria provided, single submitter. Criteria: Invitae Variant Classification Sherloc (09022015). Collection method: clinical testing. Allele origin: germline.
Comment: This sequence change replaces threonine, which is neutral and polar, with isoleucine, which is neutral and non-polar, at codon 1289 of the BRCA1 protein (p.Thr1289Ile). This variant is not present in population databases (gnomAD no frequency). This variant has not been reported in the literature in individuals affected with BRCA1-related conditions. ClinVar contains an entry for this variant (Variation ID: 1424409). Invitae Evidence Modeling of protein sequence and biophysical properties (such as structural, functional, and spatial information, amino acid conservation, physicochemical variation, residue mobility, and thermodynamic stability) indicates that this missense variant is not expected to disrupt BRCA1 protein function with a negative predictive value of 80%. In summary, the available evidence is currently insufficient to determine the role of this variant in disease. Therefore, it has been classified as a Variant of Uncertain Significance.

All of Us Research Program, National Institutes of Health
Classification: Uncertain significance for BRCA1-related cancer predisposition. Last evaluated: 2024-04-16. Review status: criteria provided, single submitter. Criteria: ACMG Guidelines, 2015. Collection method: clinical testing. Allele origin: germline. Inheritance: Autosomal dominant inheritance. Observed: 2 variant alleles, 2 heterozygotes.
Comment: This missense variant replaces threonine with isoleucine at codon 1289 of the BRCA1 protein. Computational prediction suggests that this variant may not impact protein structure and function (internally defined REVEL score threshold <= 0.5, PMID: 27666373). To our knowledge, functional studies have not been reported for this variant. This variant has not been reported in individuals affected with BRCA1-related disorders in the literature. This variant has not been identified in the general population by the Genome Aggregation Database (gnomAD). The available evidence is insufficient to determine the role of this variant in disease conclusively. Therefore, this variant is classified as a Variant of Uncertain Significance.

This study involves interpretation of variants in research participants for the purpose of population health screening. Participant phenotype was not available at the time of variant classification. Additional details can be found in publication PMID: 35346344, PMCID: PMC8962531

University of Washington Department of Laboratory Medicine, University of Washington
Classification: Likely benign for Hereditary cancer-predisposing syndrome. Last evaluated: 2023-03-23. Review status: criteria provided, single submitter. Criteria: Dines et al. (Genet Med. 2020). Collection method: curation. Allele origin: germline.
Comment: Missense variant in a coldspot region where missense variants are very unlikely to be pathogenic (PMID:31911673).

BRCA1 coldspot (exon 11 using historical exon numbering). Reclassification based on statistical prior probability